The following is an entry in ClinVar:

NM_001348716.2(KDM6B):c.3226_3227delinsTT (p.Glu1076Leu)

Gene: KDM6B (lysine demethylase 6B; plus strand). Cytogenetic location: 17p13.1.
Variant type: Indel.
Coding change: c.3226_3227delinsTT on transcript NM_001348716.2 (MANE Select); coding-DNA positions 3226 to 3227, GA replaced by TT.
Protein change: p.Glu1076Leu; replaces glutamic acid 1076 with leucine.
Molecular consequence: missense variant.
Genome position (GRCh38, 1-based): chr17:7,849,514-7,849,515, GA replaced by TT. VCF-style: chr17-7849514-GA-TT. GRCh37 (hg19) VCF-style: chr17-7752832-GA-TT.
Other names: c.3226_3227delinsTT, p.Glu1076Leu (NM_001080424.2); short protein forms E1076L.
Identifiers: ClinVar variation 2497780 (VCV002497780.1), dbSNP rs2544529046, ClinGen allele CA2580094883.
Genomic context (GRCh38, chr17:7,849,514, plus strand): 5'-CCTGCACCTTCTGCCCAGCCCACACCCCCGTCAGCCTCTGTCCCTGGAAAGAAGGCTCGG[GA>TT]GGAAGCCCCAGGGCCACCGGGTGTCAGCCGGGCCGACATGCTGAAGCTGCGCTCACTTAG-3'
Protein context (NP_001335645.1, residues 1066-1086): SASVPGKKAR[Glu1076Leu]EAPGPPGVSR

ClinVar aggregate classification (germline): Uncertain significance (1 of 4 stars; one submission).

Submission:

GeneDx
Classification: Uncertain significance. Last evaluated: 2022-10-05. Review status: criteria provided, single submitter. Criteria: GeneDx Variant Classification Process June 2021. Collection method: clinical testing. Allele origin: germline. Affected: yes.
Comment: Not observed at significant frequency in large population cohorts (gnomAD); In silico analysis supports a deleterious effect on protein structure/function; Has not been previously published as pathogenic or benign to our knowledge